The following is an entry in ClinVar:

NM_001267550.2(TTN):c.99156dup (p.Ile33053fs)

Genes: TTN (titin; minus strand), TTN-AS1 (TTN antisense RNA 1; plus strand). Cytogenetic location: 2q31.2.
Variant type: Duplication.
Coding change: c.99156dup on transcript NM_001267550.2 (MANE Select); coding-DNA position 99156, one base duplicated (T; older notation c.99156dupT).
Protein change: p.Ile33053fs; shifts the reading frame from isoleucine 33053.
Molecular consequence: frameshift variant.
Genome position (GRCh38, 1-based): chr2:178,538,673, A duplicated on the plus strand (T on the coding strand, the reverse complement: TTN is on the minus strand). VCF-style (leftmost placement, unchanged base first): chr2-178538672-T-TA. GRCh37 (hg19) VCF-style: chr2-179403399-T-TA.
Other names: c.94233dup, p.Ile31412fs (NM_001256850.1); c.71961dup, p.Ile23988fs (NM_003319.4); c.91452dup, p.Ile30485fs (NM_133378.4); c.72336dup, p.Ile24113fs (NM_133432.3); c.72537dup, p.Ile24180fs (NM_133437.4); short protein forms I23988fs, I24180fs, I30485fs, I33053fs, I24113fs, I31412fs.
Identifiers: ClinVar variation 1477316 (VCV001477316.8), dbSNP rs2154139263, ClinGen allele CA2573134090.

ClinVar aggregate classification (germline): Likely pathogenic (1 of 4 stars; one submission).

Conditions:
Dilated cardiomyopathy 1G (CMD1G). Identifiers: Orphanet 154, MedGen C1858763, MONDO:0011400, OMIM 604145.
Autosomal recessive limb-girdle muscular dystrophy type 2J (LGMDR10). Also called: MUSCULAR DYSTROPHY, LIMB-GIRDLE, AUTOSOMAL RECESSIVE 10; Limb-girdle muscular dystrophy, type 2J. Identifiers: Orphanet 140922, MedGen C1837342, MONDO:0012127, OMIM 608807.

Submission:

Labcorp Genetics (formerly Invitae), Labcorp
Classification: Likely pathogenic for Dilated cardiomyopathy 1G; Autosomal recessive limb-girdle muscular dystrophy type 2J. Last evaluated: 2025-05-05. Review status: criteria provided, single submitter. Criteria: Invitae Variant Classification Sherloc (09022015). Collection method: clinical testing. Allele origin: germline.
Comment: This sequence change creates a premature translational stop signal (p.Ile33053Tyrfs*2) in the TTN gene. While this is not anticipated to result in nonsense mediated decay, it is expected to create a truncated TTN protein. This variant is not present in population databases (gnomAD no frequency). This variant has not been reported in the literature in individuals affected with TTN-related conditions. ClinVar contains an entry for this variant (Variation ID: 1477316). This variant is located in the A band of TTN (PMID: 25589632). Truncating variants in this region are significantly overrepresented in patients affected with dilated cardiomyopathy (PMID: 25589632). Truncating variants in this region have also been reported in individuals affected with autosomal recessive centronuclear myopathy (PMID: 23975875). In summary, the currently available evidence indicates that the variant is pathogenic, but additional data are needed to prove that conclusively. Therefore, this variant has been classified as Likely Pathogenic.

Literature cited by the submitters: PubMed 25589632; PubMed 23975875.